The following is an entry in ClinVar:

ClinVar aggregate classification (germline): Uncertain significance. Review status: criteria provided, multiple submitters, no conflicts (2 of 4 stars). 2 submissions from 2 submitters: Uncertain significance (2). Last evaluated 2026-05-28.

gnomAD v4.1: 3 of 1,613,908 alleles (0.00019%); highest among the groups gnomAD compares: Non-Finnish European, 0.00025%; no homozygotes.

Submissions (2):

Women's Health and Genetics/Laboratory Corporation of America, LabCorp
Classification: Uncertain significance. Last evaluated: 2026-05-28. Review status: criteria provided, single submitter. Criteria: LabCorp Variant Classification Summary - May 2015. Collection method: clinical testing. Allele origin: germline.
Comment: Variant summary: ALPL c.701T>G (p.Val234Gly) results in a non-conservative amino acid change in the encoded protein sequence. Algorithms developed to predict the effect of missense changes on protein structure and function all suggest that this variant is likely to be disruptive. The variant was absent in 251466 control chromosomes. The available data on variant occurrences in the general population are insufficient to allow any conclusion about variant significance. To our knowledge, no occurrence of c.701T>G in individuals affected with ALPL-related conditions and no experimental evidence demonstrating its impact on protein function have been reported. ClinVar contains an entry for this variant (Variation ID: 1025756). Based on the evidence outlined above, the variant was classified as uncertain significance.

Labcorp Genetics (formerly Invitae), Labcorp
Classification: Uncertain significance. Last evaluated: 2022-02-25. Review status: criteria provided, single submitter. Criteria: Invitae Variant Classification Sherloc (09022015). Collection method: clinical testing. Allele origin: germline.
Comment: This sequence change replaces valine, which is neutral and non-polar, with glycine, which is neutral and non-polar, at codon 234 of the ALPL protein (p.Val234Gly). This variant is not present in population databases (gnomAD no frequency). This variant has not been reported in the literature in individuals affected with ALPL-related conditions. ClinVar contains an entry for this variant (Variation ID: 1025756). Advanced modeling of protein sequence and biophysical properties (such as structural, functional, and spatial information, amino acid conservation, physicochemical variation, residue mobility, and thermodynamic stability) performed at Invitae indicates that this missense variant is expected to disrupt ALPL protein function. In summary, the available evidence is currently insufficient to determine the role of this variant in disease. Therefore, it has been classified as a Variant of Uncertain Significance.

NM_000478.6(ALPL):c.701T>G (p.Val234Gly)

Gene: ALPL (alkaline phosphatase, biomineralization associated; plus strand). Cytogenetic location: 1p36.12.
Variant type: single nucleotide variant.
Coding change: c.701T>G on transcript NM_000478.6 (MANE Select); coding-DNA position 701, T replaced by G.
Protein change: p.Val234Gly; replaces valine 234 with glycine.
Molecular consequence: missense variant.
Genome position (GRCh38, 1-based): chr1:21,568,156, T>G. VCF-style: chr1-21568156-T-G. GRCh37 (hg19) VCF-style: chr1-21894649-T-G.
Other names: c.536T>G, p.Val179Gly (NM_001127501.4); c.470T>G, p.Val157Gly (NM_001177520.3); c.701T>G, p.Val234Gly (NM_001369803.2, NM_001369804.2, NM_001369805.2); short protein forms V157G, V179G, V234G.
Identifiers: ClinVar variation 1025756 (VCV001025756.5), dbSNP rs779322468, ClinGen allele CA338879183.